The following is an entry in ClinVar:

NM_025081.3(NYNRIN):c.1271T>C (p.Leu424Pro)

Gene: NYNRIN (NYN domain and retroviral integrase containing; plus strand). Cytogenetic location: 14q12.
Variant type: single nucleotide variant.
Coding change: c.1271T>C on transcript NM_025081.3 (MANE Select); coding-DNA position 1271, T replaced by C.
Protein change: p.Leu424Pro; replaces leucine 424 with proline.
Molecular consequence: missense variant.
Genome position (GRCh38, 1-based): chr14:24,409,065, T>C. VCF-style: chr14-24409065-T-C. GRCh37 (hg19) VCF-style: chr14-24878271-T-C.
Other names: short protein forms L424P.
Identifiers: ClinVar variation 3627163 (VCV003627163.2).
Genomic context (GRCh38, chr14:24,409,065, plus strand): 5'-TGCCAGGGCAGAATCCTTTGCCCTTAAATCTGGAGTGGAAGCAGAAGGAGCTGGCTCCTC[T>C]GCCTAGTGCAGAAAGCCCAGCTGGTAGACCAGATGGGGGGCTGGGAGGAGAAGCAGCCCT-3'
Protein context (NP_079357.2, residues 414-434): LEWKQKELAP[Leu424Pro]PSAESPAGRP

ClinVar aggregate classification (germline): Uncertain significance (1 of 4 stars; one submission).

Submission:

Labcorp Genetics (formerly Invitae), Labcorp
Classification: Uncertain significance. Last evaluated: 2024-08-15. Review status: criteria provided, single submitter. Criteria: Invitae Variant Classification Sherloc (09022015). Collection method: clinical testing. Allele origin: germline.
Comment: This sequence change replaces leucine, which is neutral and non-polar, with proline, which is neutral and non-polar, at codon 424 of the NYNRIN protein (p.Leu424Pro). This variant is not present in population databases (gnomAD no frequency). This variant has not been reported in the literature in individuals affected with NYNRIN-related conditions. Experimental studies and prediction algorithms are not available or were not evaluated, and the functional significance of this variant is currently unknown. In summary, the available evidence is currently insufficient to determine the role of this variant in disease. Therefore, it has been classified as a Variant of Uncertain Significance.